The following is an entry in ClinVar:

ClinVar aggregate classification (germline): Uncertain significance (1 of 4 stars; one submission).

Conditions:
Hereditary cancer-predisposing syndrome. Also called: Neoplastic Syndromes, Hereditary; Tumor predisposition; Hereditary Cancer Syndrome; Hereditary neoplastic syndrome. Identifiers: Orphanet 140162, MedGen C0027672, MeSH D009386, MONDO:0015356.

Submission:

Ambry Genetics
Classification: Uncertain significance for Hereditary cancer-predisposing syndrome. Last evaluated: 2021-01-19. Review status: criteria provided, single submitter. Criteria: Ambry Variant Classification Scheme 2023. Collection method: clinical testing. Allele origin: germline.
Comment: The c.705+2_705+3insC intronic variant, results from an insertion of a C nucleotide at nucleotide position c.705+3 after intron 4 of the RAD51C gene. In silico splice site analysis predicts that this alteration will weaken the native splice donor site. Since supporting evidence is limited at this time, the clinical significance of this alteration remains unclear.

NM_058216.3(RAD51C):c.705+2_705+3insC

Genes: RAD51C (RAD51 paralog C; plus strand), LOC129390903 (MPRA-validated peak2919 silencer; plus strand). Cytogenetic location: 17q22.
Variant type: Insertion.
Coding change: c.705+2_705+3insC on transcript NM_058216.3 (MANE Select); the canonical splice donor site of the intron after coding-DNA position 705 through 3 bases into the intron after coding-DNA position 705, C inserted.
Molecular consequence: intron variant.
Genome position: GRCh38 VCF-style: chr17-58703331-T-TC. GRCh37 (hg19) VCF-style: chr17-56780692-T-TC.
Identifiers: ClinVar variation 1756885 (VCV001756885.2), dbSNP rs2509300649, ClinGen allele CA2580094330.